The following is an entry in ClinVar:

NM_000138.5(FBN1):c.6392del (p.Cys2131fs)

Gene: FBN1 (fibrillin 1; minus strand). Cytogenetic location: 15q21.1.
Variant type: Deletion.
Coding change: c.6392del on transcript NM_000138.5 (MANE Select); coding-DNA position 6392, one base deleted (G; older notation c.6392delG).
Protein change: p.Cys2131fs; shifts the reading frame from cysteine 2131.
Molecular consequence: frameshift variant.
Genome position (GRCh38, 1-based): chr15:48,437,065, C deleted on the plus strand (G on the coding strand, the reverse complement: FBN1 is on the minus strand). VCF-style (leftmost placement, unchanged base first): chr15-48437064-GC-G. GRCh37 (hg19) VCF-style: chr15-48729261-GC-G.
Other names: short protein forms C2131fs.
Identifiers: ClinVar variation 1386358 (VCV001386358.6), dbSNP rs2141240489, ClinGen allele CA2573150930.

ClinVar aggregate classification (germline): Pathogenic (1 of 4 stars; one submission).

Conditions:
Marfan syndrome (MFS). Also called: Marfan syndrome type 1; Marfan's syndrome; FBN1-Related Marfan Syndrome; MARFAN SYNDROME, TYPE I; Marfan syndrome, classic. Identifiers: Orphanet 284963, Orphanet 558, MedGen C0024796, MONDO:0007947, OMIM 154700.
Familial thoracic aortic aneurysm and aortic dissection (TAAD). Also called: Thoracic aortic aneurysms and dissections. Identifiers: Orphanet 91387, MedGen C4707243, MONDO:0019625.

Submission:

Labcorp Genetics (formerly Invitae), Labcorp
Classification: Pathogenic for Marfan syndrome; Familial thoracic aortic aneurysm and aortic dissection. Last evaluated: 2021-04-01. Review status: criteria provided, single submitter. Criteria: Invitae Variant Classification Sherloc (09022015). Collection method: clinical testing. Allele origin: germline.
Comment: For these reasons, this variant has been classified as Pathogenic. This variant is not present in population databases (ExAC no frequency). This sequence change creates a premature translational stop signal (p.Cys2131Serfs*29) in the FBN1 gene. It is expected to result in an absent or disrupted protein product. Loss-of-function variants in FBN1 are known to be pathogenic (PMID: 17657824, 19293843). This variant has not been reported in the literature in individuals with FBN1-related conditions.

Literature cited by the submitters: PubMed 17657824; PubMed 19293843.